The following is an entry in ClinVar:

ClinVar aggregate classification (germline): Likely benign. Review status: criteria provided, single submitter (1 of 4 stars). 2 submissions from 2 submitters: Likely benign (1). 1 of the submissions does not count toward it. Last evaluated 2025-12-03.

Conditions:
KIDINS220-related disorder. Also called: KIDINS220-related condition.

Allele frequency attached by ClinVar (database versions not stated): gnomAD 0.00006 and 0.00007; TOPMed 0.00010.

Submissions (2):

Labcorp Genetics (formerly Invitae), Labcorp
Classification: Likely benign. Last evaluated: 2025-12-03. Review status: criteria provided, single submitter. Criteria: Invitae Variant Classification Sherloc (09022015). Collection method: clinical testing. Allele origin: germline.

PreventionGenetics, part of Exact Sciences
Classification: Likely benign for KIDINS220-related condition. Last evaluated: 2021-08-09. Review status: no assertion criteria provided. Collection method: clinical testing. Allele origin: germline. Not counted in ClinVar's aggregate classification.
Comment: This variant is classified as likely benign based on ACMG/AMP sequence variant interpretation guidelines (Richards et al. 2015 PMID: 25741868, with internal and published modifications).

NM_020738.4(KIDINS220):c.4566C>T (p.Asp1522=)

Gene: KIDINS220 (kinase D interacting substrate 220; minus strand). Cytogenetic location: 2p25.1.
Variant type: single nucleotide variant.
Coding change: c.4566C>T on transcript NM_020738.4 (MANE Select); coding-DNA position 4566, C replaced by T.
Protein change: p.Asp1522=; no amino-acid change (aspartic acid 1522 retained).
Molecular consequence: synonymous variant. On other transcripts: intron variant (6).
Genome position (GRCh38, 1-based): chr2:8,731,470, G>A on the plus strand (C>T on the coding strand, the complement: KIDINS220 is on the minus strand). VCF-style: chr2-8731470-G-A. GRCh37 (hg19) VCF-style: chr2-8871600-G-A.
Other names: c.4569C>T, p.Asp1523= (NM_001348729.2); c.4512C>T, p.Asp1504= (NM_001348731.2); c.4509C>T, p.Asp1503= (NM_001348732.2); c.4398C>T, p.Asp1466= (NM_001348734.2); c.4395C>T, p.Asp1465= (NM_001348735.2); c.4269C>T, p.Asp1423= (NM_001348736.2); c.3882+1974C>T (NM_001348741.2, NM_001348742.2, NM_001348743.2); c.3996+1974C>T (NM_001348738.2); and 1 more.
Identifiers: ClinVar variation 746442 (VCV000746442.10), dbSNP rs748564095, ClinGen allele CA1519348.
Genomic context (GRCh38, chr2:8,731,470, plus strand): 5'-GTCTTTGTCATCTTTGAGCAGTGGAGTGTTATCTGATTCTTCTGTGCCAGATTCATCCTC[G>A]TCACTTGGGAGTTTTTGATAGCGCAGCCCACTTCCCTTAAGCTTCAAATCTGTCTGGAAG-3'
Protein context (NP_065789.1, residues 1512-1532): SGLRYQKLPS[Asp1522=]EDESGTEESD